The following is an entry in ClinVar:

ClinVar aggregate classification (germline): Likely benign. Review status: criteria provided, multiple submitters, no conflicts (2 of 4 stars). 3 submissions from 3 submitters: Likely benign (2). 1 of the submissions does not count toward it. Last evaluated 2025-12-01.

Conditions:
PRPF6-related disorder. Also called: PRPF6-related condition.

Allele frequency attached by ClinVar (database versions not stated): gnomAD exomes 0.00001 and 0.00002; ExAC 0.00002; gnomAD 0.00002 and 0.00003; TOPMed 0.00002.
gnomAD v4.1: 25 of 1,614,094 alleles (0.0015%); highest among the groups gnomAD compares: Middle Eastern, 0.016%; no homozygotes.

Submissions (3):

Labcorp Genetics (formerly Invitae), Labcorp
Classification: Likely benign. Last evaluated: 2025-12-01. Review status: criteria provided, single submitter. Criteria: Invitae Variant Classification Sherloc (09022015). Collection method: clinical testing. Allele origin: germline.

Blueprint Genetics
Classification: Likely benign. Last evaluated: 2023-11-06. Review status: criteria provided, single submitter. Criteria: ACMG Guidelines, 2015. Collection method: clinical testing. Allele origin: germline.

PreventionGenetics, part of Exact Sciences
Classification: Likely benign for PRPF6-related condition. Last evaluated: 2019-08-13. Review status: no assertion criteria provided. Collection method: clinical testing. Allele origin: germline. Not counted in ClinVar's aggregate classification.
Comment: This variant is classified as likely benign based on ACMG/AMP sequence variant interpretation guidelines (Richards et al. 2015 PMID: 25741868, with internal and published modifications).

NM_012469.4(PRPF6):c.2490C>T (p.Ser830=)

Gene: PRPF6 (pre-mRNA processing factor 6; plus strand). Cytogenetic location: 20q13.33.
Variant type: single nucleotide variant.
Coding change: c.2490C>T on transcript NM_012469.4 (MANE Select); coding-DNA position 2490, C replaced by T.
Protein change: p.Ser830=; no amino-acid change (serine 830 retained).
Molecular consequence: synonymous variant.
Genome position (GRCh38, 1-based): chr20:64,029,435, C>T. VCF-style: chr20-64029435-C-T. GRCh37 (hg19) VCF-style: chr20-62660788-C-T.
Other names: c.2490C>T (NM_012469.3).
Identifiers: ClinVar variation 1152390 (VCV001152390.12), dbSNP rs773455692, ClinGen allele CA9972500.